The following is an entry in ClinVar:

NM_201384.3(PLEC):c.4045-7_4045-5del

Gene: PLEC (plectin; minus strand). Cytogenetic location: 8q24.3.
Variant type: Deletion.
Coding change: c.4045-7_4045-5del on transcript NM_201384.3 (MANE Select); 7 bases into the intron before coding-DNA position 4045 through 5 bases into the intron before coding-DNA position 4045, 3 bases deleted (GCC; older notation c.4045-7_4045-5delGCC).
Molecular consequence: intron variant.
Genome position (GRCh38, 1-based): chr8:143,925,889-143,925,891, GGC deleted on the plus strand (GCC on the coding strand, the reverse complement: PLEC is on the minus strand). VCF-style (leftmost placement, unchanged base first): chr8-143925888-TGGC-T. GRCh37 (hg19) VCF-style: chr8-145000056-TGGC-T.
Other names: c.4126-7_4126-5del (NM_000445.5); c.4003-7_4003-5del (NM_201378.4); c.3979-7_3979-5del (NM_201379.3); c.4456-7_4456-5del (NM_201380.4); c.3949-7_3949-5del (NM_201381.3); c.4045-7_4045-5del (NM_201382.4); c.4057-7_4057-5del (NM_201383.3); c.4126-7_4126-5delGCC (NM_000445.4).
Identifiers: ClinVar variation 1126557 (VCV001126557.8), dbSNP rs1268581679, ClinGen allele CA586158798.
Genomic context (GRCh38, chr8:143,925,888, plus strand): 5'-GGCCTCCACCTCGGCCAGCCGCTCGCGCTCCTCTGCCCGCTGCTGCTCAGCCAGCCTCTG[TGGC>T]CACAGCAGAGAGAAGAAGAGAAGCAGAGAGAGTGTGAACACGGGCAGGCGCTGACGGGGC-3'

ClinVar aggregate classification (germline): Likely benign. Review status: criteria provided, multiple submitters, no conflicts (2 of 4 stars). 2 submissions from 2 submitters: Likely benign (2). Last evaluated 2025-07-23.

Conditions:
PLEC-related disorder. Also called: PLEC-related disorders; PLEC-related condition.
Epidermolysis bullosa simplex with nail dystrophy (EBS5D). Identifiers: MedGen C4225309, MONDO:0014661, OMIM 616487.
Autosomal recessive limb-girdle muscular dystrophy type 2Q (LGMDR17). Also called: MUSCULAR DYSTROPHY, LIMB-GIRDLE, AUTOSOMAL RECESSIVE 17. Identifiers: Orphanet 254361, MedGen C3150989, MONDO:0013390, OMIM 613723.
Epidermolysis bullosa simplex, Ogna type (EBS5A). Also called: Pidermolysis bullosa simplex 5A, Ogna type; EPIDERMOLYSIS BULLOSA SIMPLEX 5A, OGNA TYPE. Identifiers: Orphanet 79401, MedGen C0432317, MONDO:0007555, OMIM 131950.
Epidermolysis bullosa simplex 5C, with pyloric atresia (EBS5C). Also called: PLEC-Related Epidermolysis Bullosa with Pyloric Atresia; Epidermolysis bullosa simplex with pyloric atresia; PLEC1-Related Epidermolysis Bullosa with Pyloric Atresia. Identifiers: Orphanet 158684, MedGen C2677349, MONDO:0012807, OMIM 612138.
Epidermolysis bullosa simplex 5B, with muscular dystrophy (EBS5B). Also called: EPIDERMOLYSIS BULLOSA SIMPLEX AND LIMB-GIRDLE MUSCULAR DYSTROPHY; Epidermolysis bullosa simplex with muscular dystrophy. Identifiers: Orphanet 257, MedGen C2931072, MONDO:0009181, OMIM 226670.

Allele frequency attached by ClinVar (database versions not stated): gnomAD exomes below 0.00001; gnomAD 0.00009 and 0.00011; TOPMed 0.00012.

Submissions (2):

PreventionGenetics, part of Exact Sciences
Classification: Likely benign for PLEC-related condition. Last evaluated: 2025-07-23. Review status: criteria provided, single submitter. Criteria: ACMG Guidelines, 2015. Collection method: clinical testing. Allele origin: germline.
Comment: This variant is classified as likely benign based on ACMG/AMP sequence variant interpretation guidelines (Richards et al. 2015 PMID: 25741868, with internal and published modifications).

Labcorp Genetics (formerly Invitae), Labcorp
Classification: Likely benign for Autosomal recessive limb-girdle muscular dystrophy type 2Q; Epidermolysis bullosa simplex, Ogna type; Epidermolysis bullosa simplex with nail dystrophy; Epidermolysis bullosa simplex 5C, with pyloric atresia; Epidermolysis bullosa simplex 5B, with muscular dystrophy. Last evaluated: 2024-10-18. Review status: criteria provided, single submitter. Criteria: Invitae Variant Classification Sherloc (09022015). Collection method: clinical testing. Allele origin: germline.